The following is an entry in ClinVar:

ClinVar aggregate classification (germline): Uncertain significance (1 of 4 stars; one submission).

Submission:

Ambry Genetics
Classification: Uncertain significance. Last evaluated: 2024-06-09. Review status: criteria provided, single submitter. Criteria: Ambry Variant Classification Scheme 2023. Collection method: clinical testing. Allele origin: germline.
Comment: The p.E185V variant (also known as c.554A>T), located in coding exon 3 of the GALNT12 gene, results from an A to T substitution at nucleotide position 554. The glutamic acid at codon 185 is replaced by valine, an amino acid with dissimilar properties. This amino acid position is conserved. In addition, the in silico prediction for this alteration is inconclusive. Based on the available evidence, the clinical significance of this variant remains unclear.

NM_024642.5(GALNT12):c.554A>T (p.Glu185Val)

Gene: GALNT12 (polypeptide N-acetylgalactosaminyltransferase 12; plus strand). Cytogenetic location: 9q22.33.
Variant type: single nucleotide variant.
Coding change: c.554A>T on transcript NM_024642.5 (MANE Select); coding-DNA position 554, A replaced by T.
Protein change: p.Glu185Val; replaces glutamic acid 185 with valine.
Molecular consequence: missense variant.
Genome position (GRCh38, 1-based): chr9:98,826,764, A>T. VCF-style: chr9-98826764-A-T. GRCh37 (hg19) VCF-style: chr9-101589046-A-T.
Other names: short protein forms E185V.
Identifiers: ClinVar variation 3280593 (VCV003280593.1).